The following is an entry in ClinVar:

NM_003265.3(TLR3):c.157A>C (p.Ile53Leu)

Gene: TLR3 (toll like receptor 3; plus strand). Cytogenetic location: 4q35.1.
Variant type: single nucleotide variant.
Coding change: c.157A>C on transcript NM_003265.3 (MANE Select); coding-DNA position 157, A replaced by C.
Protein change: p.Ile53Leu; replaces isoleucine 53 with leucine.
Molecular consequence: missense variant.
Genome position (GRCh38, 1-based): chr4:186,076,776, A>C. VCF-style: chr4-186076776-A-C. GRCh37 (hg19) VCF-style: chr4-186997930-A-C.
Other names: short protein forms I53L.
Identifiers: ClinVar variation 851938 (VCV000851938.10), dbSNP rs1221000109, ClinGen allele CA359107421.

ClinVar aggregate classification (germline): Uncertain significance (1 of 4 stars; one submission).

Conditions:
Encephalopathy, acute, infection-induced (herpes-specific), susceptibility to, 1. Also called: Herpes simplex encephalitis, susceptibility to, 1. Identifiers: Orphanet 1930, MedGen C2750180, MONDO:0024563, OMIM 610551.

gnomAD v4.1: 2 of 1,614,184 alleles (0.00012%); highest among the groups gnomAD compares: South Asian, 0.0011%; no homozygotes.

Submission:

Labcorp Genetics (formerly Invitae), Labcorp
Classification: Uncertain significance for Encephalopathy, acute, infection-induced (herpes-specific), susceptibility to, 1. Last evaluated: 2025-12-22. Review status: criteria provided, single submitter. Criteria: Invitae Variant Classification Sherloc (09022015). Collection method: clinical testing. Allele origin: germline.
Comment: This sequence change replaces isoleucine, which is neutral and non-polar, with leucine, which is neutral and non-polar, at codon 53 of the TLR3 protein (p.Ile53Leu). This variant is not present in population databases (gnomAD no frequency). This variant has not been reported in the literature in individuals affected with TLR3-related conditions. ClinVar contains an entry for this variant (Variation ID: 851938). An algorithm developed to predict the effect of missense changes on protein structure and function (PolyPhen-2) suggests that this variant is likely to be disruptive. In summary, the available evidence is currently insufficient to determine the role of this variant in disease. Therefore, it has been classified as a Variant of Uncertain Significance.